The following is an entry in ClinVar:

ClinVar aggregate classification (germline): Likely pathogenic (1 of 4 stars; one submission).

Conditions:
Cardiovascular phenotype. Identifiers: MedGen CN230736.

Submission:

Ambry Genetics
Classification: Likely pathogenic for Cardiovascular phenotype. Last evaluated: 2024-04-25. Review status: criteria provided, single submitter. Criteria: Ambry Variant Classification Scheme 2023. Collection method: clinical testing. Allele origin: germline.
Comment: The c.923G>T (p.G308V) alteration is located in exon 6 (coding exon 6) of the ABCG8 gene. This alteration results from a G to T substitution at nucleotide position 923, causing the glycine (G) at amino acid position 308 to be replaced by a valine (V). This variant was not reported in population-based cohorts in the Genome Aggregation Database (gnomAD). This variant has been identified in conjunction with another alteration in ABCG8 in an individual with Sitosterolemia (Xia, 2022). This amino acid position is highly conserved in available vertebrate species. This alteration is predicted to be deleterious by in silico analysis. Based on the available evidence, this alteration is classified as likely pathogenic.

Literature cited by the submitters: PubMed 34969652.

NM_022437.3(ABCG8):c.923G>T (p.Gly308Val)

Gene: ABCG8 (ATP binding cassette subfamily G member 8; plus strand). Cytogenetic location: 2p21.
Variant type: single nucleotide variant.
Coding change: c.923G>T on transcript NM_022437.3 (MANE Select); coding-DNA position 923, G replaced by T.
Protein change: p.Gly308Val; replaces glycine 308 with valine.
Molecular consequence: missense variant.
Genome position (GRCh38, 1-based): chr2:43,852,827, G>T. VCF-style: chr2-43852827-G-T. GRCh37 (hg19) VCF-style: chr2-44079966-G-T.
Other names: c.923G>T, p.Gly308Val (NM_001357321.2); short protein forms G308V.
Identifiers: ClinVar variation 3315206 (VCV003315206.1).